The following is an entry in ClinVar:

ClinVar aggregate classification (germline): Likely pathogenic (1 of 4 stars; one submission).

Conditions:
ZIC2-related disorder. Also called: ZIC2-related condition.

Submission:

PreventionGenetics, part of Exact Sciences
Classification: Likely pathogenic for ZIC2-related condition. Last evaluated: 2024-10-13. Review status: criteria provided, single submitter. Criteria: ACMG Guidelines, 2015. Collection method: clinical testing. Allele origin: germline.
Comment: The ZIC2 c.512C>A variant is predicted to result in premature protein termination (p.Ser171*). To our knowledge, this variant has not been reported in the literature or in a large population database (gnomAD), indicating this variant is rare. Nonsense variants in ZIC2 are expected to be pathogenic. This variant is interpreted as likely pathogenic.

NM_007129.5(ZIC2):c.512C>A (p.Ser171Ter)

Gene: ZIC2 (Zic family zinc finger 2; plus strand). Cytogenetic location: 13q32.3.
Variant type: single nucleotide variant.
Coding change: c.512C>A on transcript NM_007129.5 (MANE Select); coding-DNA position 512, C replaced by A.
Protein change: p.Ser171Ter; replaces serine 171 with a stop codon.
Molecular consequence: nonsense.
Genome position (GRCh38, 1-based): chr13:99,982,576, C>A. VCF-style: chr13-99982576-C-A. GRCh37 (hg19) VCF-style: chr13-100634830-C-A.
Other names: short protein forms S171*.
Identifiers: ClinVar variation 4984047 (VCV004984047.1).